The following is an entry in ClinVar:

NM_001448.3(GPC4):c.1276G>A (p.Gly426Arg)

Gene: GPC4 (glypican 4; minus strand). Cytogenetic location: Xq26.2.
Variant type: single nucleotide variant.
Coding change: c.1276G>A on transcript NM_001448.3 (MANE Select); coding-DNA position 1276, G replaced by A.
Protein change: p.Gly426Arg; replaces glycine 426 with arginine.
Molecular consequence: missense variant.
Genome position (GRCh38, 1-based): chrX:133,304,741, C>T on the plus strand (G>A on the coding strand, the complement: GPC4 is on the minus strand). VCF-style: chrX-133304741-C-T. GRCh37 (hg19) VCF-style: chrX-132438769-C-T.
Other names: short protein forms G426R.
Identifiers: ClinVar variation 2581802 (VCV002581802.1), dbSNP rs2520396481, ClinGen allele CA414691519.

ClinVar aggregate classification (germline): Uncertain significance (1 of 4 stars; one submission).

Submission:

GeneDx
Classification: Uncertain significance. Last evaluated: 2023-03-27. Review status: criteria provided, single submitter. Criteria: GeneDx Variant Classification Process June 2021. Collection method: clinical testing. Allele origin: germline. Affected: yes.
Comment: Not observed at significant frequency in large population cohorts (gnomAD); In silico analysis supports that this missense variant has a deleterious effect on protein structure/function; Has not been previously published as pathogenic or benign to our knowledge